The following is an entry in ClinVar:

ClinVar aggregate classification (germline): Uncertain significance (1 of 4 stars; one submission).

Allele frequency attached by ClinVar (database versions not stated): gnomAD 0.00002; TOPMed 0.00002.
gnomAD v4.1: 10 of 1,613,444 alleles (0.00062%); highest among the groups gnomAD compares: African/African-American, 0.004%; no homozygotes.

Submission:

Labcorp Genetics (formerly Invitae), Labcorp
Classification: Uncertain significance. Last evaluated: 2022-02-17. Review status: criteria provided, single submitter. Criteria: Invitae Variant Classification Sherloc (09022015). Collection method: clinical testing. Allele origin: germline.
Comment: In summary, the available evidence is currently insufficient to determine the role of this variant in disease. Therefore, it has been classified as a Variant of Uncertain Significance. Algorithms developed to predict the effect of missense changes on protein structure and function are either unavailable or do not agree on the potential impact of this missense change (SIFT: "Deleterious"; PolyPhen-2: "Probably Damaging"; Align-GVGD: "Class C0"). This variant has not been reported in the literature in individuals affected with ERCC3-related conditions. This variant is present in population databases (no rsID available, gnomAD 0.007%). This sequence change replaces arginine, which is basic and polar, with glutamine, which is neutral and polar, at codon 642 of the ERCC3 protein (p.Arg642Gln).

NM_000122.2(ERCC3):c.1925G>A (p.Arg642Gln)

Gene: ERCC3 (ERCC excision repair 3, TFIIH core complex helicase subunit; minus strand). Cytogenetic location: 2q14.3.
Variant type: single nucleotide variant.
Coding change: c.1925G>A on transcript NM_000122.2 (MANE Select); coding-DNA position 1925, G replaced by A.
Protein change: p.Arg642Gln; replaces arginine 642 with glutamine.
Molecular consequence: missense variant.
Genome position (GRCh38, 1-based): chr2:127,271,356, C>T on the plus strand (G>A on the coding strand, the complement: ERCC3 is on the minus strand). VCF-style: chr2-127271356-C-T. GRCh37 (hg19) VCF-style: chr2-128028932-C-T.
Other names: c.1733G>A, p.Arg578Gln (NM_001303416.2, NM_001303418.2); short protein forms R642Q, R578Q.
Identifiers: ClinVar variation 1940118 (VCV001940118.3), dbSNP rs1427747564, ClinGen allele CA348387018.